The following is an entry in ClinVar:

NM_025132.4(WDR19):c.3027C>T (p.Asp1009=)

Gene: WDR19 (WD repeat domain 19; plus strand). Cytogenetic location: 4p14.
Variant type: single nucleotide variant.
Coding change: c.3027C>T on transcript NM_025132.4 (MANE Select); coding-DNA position 3027, C replaced by T.
Protein change: p.Asp1009=; no amino-acid change (aspartic acid 1009 retained).
Molecular consequence: synonymous variant.
Genome position (GRCh38, 1-based): chr4:39,255,873, C>T. VCF-style: chr4-39255873-C-T. GRCh37 (hg19) VCF-style: chr4-39257493-C-T.
Other names: c.2547C>T, p.Asp849= (NM_001317924.2).
Identifiers: ClinVar variation 784911 (VCV000784911.16), dbSNP rs181975379, ClinGen allele CA2892244.

ClinVar aggregate classification (germline): Benign/Likely benign. Review status: criteria provided, multiple submitters, no conflicts (2 of 4 stars). 8 submissions from 4 submitters: Benign (5); Likely benign (3). Last evaluated 2025-09-25.

Conditions:
Cranioectodermal dysplasia 4 (CED4). Identifiers: Orphanet 1515, MedGen C3280616, MONDO:0013719, OMIM 614378.
Senior-Loken syndrome 8 (SLSN8). Identifiers: Orphanet 3156, MedGen C4225376, MONDO:0014579, OMIM 616307.
Asphyxiating thoracic dystrophy 5 (SRTD5). Also called: SHORT-RIB THORACIC DYSPLASIA 5 WITH OR WITHOUT POLYDACTYLY; SHORT-RIB THORACIC DYSPLASIA 5 WITHOUT POLYDACTYLY. Identifiers: Orphanet 474, MedGen C3280598, MONDO:0013717, OMIM 614376.
Nephronophthisis 13 (NPHP13). Identifiers: Orphanet 655, MedGen C3280612, MONDO:0013718, OMIM 614377.

Allele frequency attached by ClinVar (database versions not stated): gnomAD 0.00011 and 0.00016; TOPMed 0.00020; gnomAD exomes 0.00022 and 0.00030; 1000 Genomes Project 30x 0.00062; ExAC 0.00065; 1000 Genomes Project 0.00080.

Submissions (8):

Labcorp Genetics (formerly Invitae), Labcorp
Classification: Benign for Senior-Loken syndrome 8; Asphyxiating thoracic dystrophy 5. Last evaluated: 2025-09-25. Review status: criteria provided, single submitter. Criteria: Invitae Variant Classification Sherloc (09022015). Collection method: clinical testing. Allele origin: germline.

Blueprint Genetics
Classification: Likely benign. Last evaluated: 2024-10-09. Review status: criteria provided, single submitter. Criteria: ACMG Guidelines, 2015. Collection method: clinical testing. Allele origin: germline.

Genome-Nilou Lab
Classification: Benign for Cranioectodermal dysplasia 4. Last evaluated: 2021-12-05. Review status: criteria provided, single submitter. Criteria: ACMG Guidelines, 2015. Collection method: clinical testing. Allele origin: germline. Affected: no.

Genome-Nilou Lab
Classification: Benign for Nephronophthisis 13. Last evaluated: 2021-12-05. Review status: criteria provided, single submitter. Criteria: ACMG Guidelines, 2015. Collection method: clinical testing. Allele origin: germline. Affected: no.

Genome-Nilou Lab
Classification: Benign for Senior-Loken syndrome 8. Last evaluated: 2021-12-05. Review status: criteria provided, single submitter. Criteria: ACMG Guidelines, 2015. Collection method: clinical testing. Allele origin: germline. Affected: no.

Genome-Nilou Lab
Classification: Benign for Asphyxiating thoracic dystrophy 5. Last evaluated: 2021-12-05. Review status: criteria provided, single submitter. Criteria: ACMG Guidelines, 2015. Collection method: clinical testing. Allele origin: germline. Affected: no.

Illumina Laboratory Services, Illumina
Classification: Likely benign for Cranioectodermal dysplasia 4. Last evaluated: 2018-01-13. Review status: criteria provided, single submitter. Criteria: ICSL Variant Classification Criteria 13 December 2019. Collection method: clinical testing. Allele origin: germline.
Comment: This variant was observed in the ICSL laboratory as part of a predisposition screen in an ostensibly healthy population. It had not been previously curated by ICSL or reported in the Human Gene Mutation Database (HGMD: prior to June 1st, 2018), and was therefore a candidate for classification through an automated scoring system. Utilizing variant allele frequency, disease prevalence and penetrance estimates, and inheritance mode, an automated score was calculated to assess if this variant is too frequent to cause the disease. Based on the score and internal cut-off values, a variant classified as likely benign is not then subjected to further curation. The score for this variant resulted in a classification of likely benign for this disease.

Illumina Laboratory Services, Illumina
Classification: Likely benign for Asphyxiating thoracic dystrophy 5. Last evaluated: 2018-01-13. Review status: criteria provided, single submitter. Criteria: ICSL Variant Classification Criteria 13 December 2019. Collection method: clinical testing. Allele origin: germline.
Comment: the same text as in the submission from Illumina Laboratory Services, Illumina above.